The following is an entry in ClinVar:

NM_001384140.1(PCDH15):c.149G>T (p.Ser50Ile)

Genes: PCDH15 (protocadherin related 15; minus strand), LOC105378311 (uncharacterized LOC105378311; plus strand). Cytogenetic location: 10q21.1.
Variant type: single nucleotide variant.
Coding change: c.149G>T on transcript NM_001384140.1 (MANE Select); coding-DNA position 149, G replaced by T.
Protein change: p.Ser50Ile; replaces serine 50 with isoleucine.
Molecular consequence: missense variant. On other transcripts: intron variant (3).
Genome position (GRCh38, 1-based): chr10:54,527,820, C>A on the plus strand (G>T on the coding strand, the complement: PCDH15 is on the minus strand). VCF-style: chr10-54527820-C-A. GRCh37 (hg19) VCF-style: chr10-56287580-C-A.
Other names: c.164G>T, p.Ser55Ile (NM_001142763.2, NM_001142769.4, NM_001142771.2); c.149G>T, p.Ser50Ile (NM_001142764.2, NM_001142765.2, NM_001142766.2 and 8 more transcripts); c.91+136352G>T (NM_001354404.2, NM_001142773.2, NM_001142768.2); short protein forms S50I, S55I.
Identifiers: ClinVar variation 546237 (VCV000546237.2), dbSNP rs1555032911, ClinGen allele CA376541391.

ClinVar aggregate classification (germline): Uncertain significance (1 of 4 stars; one submission).

gnomAD v4.1: 2 of 1,609,730 alleles (0.00012%); highest among the groups gnomAD compares: Admixed American, 0.0033%; no homozygotes.

Submission:

GeneDx
Classification: Uncertain significance. Last evaluated: 2018-05-18. Review status: criteria provided, single submitter. Criteria: GeneDx Variant Classification (06012015). Collection method: clinical testing. Allele origin: germline. Affected: yes.
Comment: The S50I variant in the PCDH15 gene has not been reported previously as a pathogenic variant, nor as a benign variant, to our knowledge. The S50I variant is not observed in large population cohorts (Lek et al., 2016). The S50I variant is a non-conservative amino acid substitution, which is likely to impact secondary protein structure as these residues differ in polarity, charge, size and/or other properties. In-silico analyses, including protein predictors and evolutionary conservation, support a deleterious effect. We interpret S50I as a variant of uncertain significance.